The following is an entry in ClinVar:

NM_000046.5(ARSB):c.375dup (p.Glu126Ter)

Gene: ARSB (arylsulfatase B; minus strand). Cytogenetic location: 5q14.1.
Variant type: Duplication.
Coding change: c.375dup on transcript NM_000046.5 (MANE Select); coding-DNA position 375, one base duplicated (T; older notation c.375dupT).
Protein change: p.Glu126Ter; replaces glutamic acid 126 with a stop codon.
Molecular consequence: nonsense.
Genome position (GRCh38, 1-based): chr5:78,969,130, A duplicated on the plus strand (T on the coding strand, the reverse complement: ARSB is on the minus strand). VCF-style (leftmost placement, unchanged base first): chr5-78969129-C-CA. GRCh37 (hg19) VCF-style: chr5-78264952-C-CA.
Other names: c.375dup, p.Glu126Ter (NM_198709.3); short protein forms E126*.
Identifiers: ClinVar variation 559775 (VCV000559775.1), dbSNP rs1554088081, ClinGen allele CA658822934.

ClinVar aggregate classification (germline): Likely pathogenic (1 of 4 stars; one submission).

Conditions:
Mucopolysaccharidosis type 6 (MPS6). Also called: N-ACETYLGALACTOSAMINE-4-SULFATASE DEFICIENCY; MPS VI; MPS 6; Maroteaux Lamy syndrome; ARSB DEFICIENCY; ARYLSULFATASE B DEFICIENCY. Identifiers: Orphanet 583, MedGen C0026709, MONDO:0009661, OMIM 253200.

Submission:

Laboratory of Diagnosis and Therapy of Lysosomal Disorders, University of Padova
Classification: Likely pathogenic for Mucopolysaccharidosis type 6. Last evaluated: 2018-01-01. Review status: criteria provided, single submitter. Criteria: ACMG Guidelines, 2015. Collection method: curation. Allele origin: germline. Affected: yes.
Comment: Frameshift variant(PVS1); Absent from GnomAD (PM2)

Incorrectly reported by Jurecka (2012) Mol Genet Metab 105, 237as c.375_376insT

Literature cited by the submitters: PubMed 22133300; PubMed 30118150.